The following is an entry in ClinVar:

ClinVar aggregate classification (germline): Uncertain significance. Review status: criteria provided, multiple submitters, no conflicts (2 of 4 stars). 2 submissions from 2 submitters: Uncertain significance (2). Last evaluated 2022-07-26.

Allele frequency attached by ClinVar (database versions not stated): ExAC 0.00001; gnomAD 0.00001; TOPMed 0.00003.
gnomAD v4.1: 12 of 1,614,044 alleles (0.00074%); highest among the groups gnomAD compares: Admixed American, 0.02%; no homozygotes.

Submissions (2):

Labcorp Genetics (formerly Invitae), Labcorp
Classification: Uncertain significance. Last evaluated: 2022-07-26. Review status: criteria provided, single submitter. Criteria: Invitae Variant Classification Sherloc (09022015). Collection method: clinical testing. Allele origin: germline.
Comment: This sequence change replaces serine, which is neutral and polar, with arginine, which is basic and polar, at codon 255 of the ICK protein (p.Ser255Arg). This variant is present in population databases (rs754158707, gnomAD 0.03%). This variant has not been reported in the literature in individuals affected with ICK-related conditions. ClinVar contains an entry for this variant (Variation ID: 1204616). Algorithms developed to predict the effect of missense changes on protein structure and function are either unavailable or do not agree on the potential impact of this missense change (SIFT: "Deleterious"; PolyPhen-2: "Benign"; Align-GVGD: "Class C15"). In summary, the available evidence is currently insufficient to determine the role of this variant in disease. Therefore, it has been classified as a Variant of Uncertain Significance.

GeneDx
Classification: Uncertain significance. Last evaluated: 2019-11-18. Review status: criteria provided, single submitter. Criteria: GeneDx Variant Classification Process June 2021. Collection method: clinical testing. Allele origin: germline. Affected: yes.
Comment: In silico analysis, which includes protein predictors and evolutionary conservation, supports that this variant does not alter protein structure/function; In-silico analysis, which includes splice predictors and evolutionary conservation, is inconclusive as to whether the variant alters gene splicing. In the absence of RNA/functional studies, the actual effect of this sequence change is unknown.; Has not been previously published as pathogenic or benign to our knowledge

NM_014920.5(CILK1):c.765T>G (p.Ser255Arg)

Gene: CILK1 (ciliogenesis associated kinase 1; minus strand). Cytogenetic location: 6p12.1.
Variant type: single nucleotide variant.
Coding change: c.765T>G on transcript NM_014920.5 (MANE Select); coding-DNA position 765, T replaced by G.
Protein change: p.Ser255Arg; replaces serine 255 with arginine.
Molecular consequence: missense variant. On other transcripts: non-coding transcript variant (1).
Genome position (GRCh38, 1-based): chr6:53,016,149, A>C on the plus strand (T>G on the coding strand, the complement: CILK1 is on the minus strand). VCF-style: chr6-53016149-A-C. GRCh37 (hg19) VCF-style: chr6-52880947-A-C.
Other names: c.765T>G, p.Ser255Arg (NM_001375397.1, NM_001375398.1, NM_001375399.1 and 4 more transcripts); short protein forms S255R.
Identifiers: ClinVar variation 1204616 (VCV001204616.6), dbSNP rs754158707, ClinGen allele CA3858704.